The following is an entry in ClinVar:

ClinVar aggregate classification (germline): Uncertain significance (1 of 4 stars; one submission).

Allele frequency attached by ClinVar (database versions not stated): gnomAD exomes below 0.00001; ExAC 0.00002.
gnomAD v4.1: 6 of 1,614,058 alleles (0.00037%); highest among the groups gnomAD compares: Admixed American, 0.0067%; no homozygotes.

Submission:

Labcorp Genetics (formerly Invitae), Labcorp
Classification: Uncertain significance. Last evaluated: 2022-11-22. Review status: criteria provided, single submitter. Criteria: Invitae Variant Classification Sherloc (09022015). Collection method: clinical testing. Allele origin: germline.
Comment: In summary, the available evidence is currently insufficient to determine the role of this variant in disease. Therefore, it has been classified as a Variant of Uncertain Significance. Advanced modeling of protein sequence and biophysical properties (such as structural, functional, and spatial information, amino acid conservation, physicochemical variation, residue mobility, and thermodynamic stability) performed at Invitae indicates that this missense variant is not expected to disrupt MRPS7 protein function. This variant has not been reported in the literature in individuals affected with MRPS7-related conditions. The frequency data for this variant in the population databases is considered unreliable, as metrics indicate poor data quality at this position in the gnomAD database. This sequence change replaces arginine, which is basic and polar, with histidine, which is basic and polar, at codon 180 of the MRPS7 protein (p.Arg180His).

NM_015971.4(MRPS7):c.539G>A (p.Arg180His)

Gene: MRPS7 (mitochondrial ribosomal protein S7; plus strand). Cytogenetic location: 17q25.1.
Variant type: single nucleotide variant.
Coding change: c.539G>A on transcript NM_015971.4 (MANE Select); coding-DNA position 539, G replaced by A.
Protein change: p.Arg180His; replaces arginine 180 with histidine.
Molecular consequence: missense variant.
Genome position (GRCh38, 1-based): chr17:75,265,733, G>A. VCF-style: chr17-75265733-G-A. GRCh37 (hg19) VCF-style: chr17-73261814-G-A.
Other names: short protein forms R180H.
Identifiers: ClinVar variation 1922690 (VCV001922690.5), dbSNP rs750690518, ClinGen allele CA8760441.